The following is an entry in ClinVar:

ClinVar aggregate classification (germline): Uncertain significance (1 of 4 stars; one submission).

Allele frequency attached by ClinVar (database versions not stated): gnomAD exomes below 0.00001 and 0.00001; TOPMed below 0.00001; gnomAD 0.00001 and 0.00003.

Submission:

Labcorp Genetics (formerly Invitae), Labcorp
Classification: Uncertain significance. Last evaluated: 2024-11-11. Review status: criteria provided, single submitter. Criteria: Invitae Variant Classification Sherloc (09022015). Collection method: clinical testing. Allele origin: germline.
Comment: This sequence change replaces aspartic acid, which is acidic and polar, with valine, which is neutral and non-polar, at codon 1345 of the GPR179 protein (p.Asp1345Val). This variant is present in population databases (no rsID available, gnomAD 0.003%). This variant has not been reported in the literature in individuals affected with GPR179-related conditions. ClinVar contains an entry for this variant (Variation ID: 1409108). An algorithm developed to predict the effect of missense changes on protein structure and function (PolyPhen-2) suggests that this variant is likely to be tolerated. In summary, the available evidence is currently insufficient to determine the role of this variant in disease. Therefore, it has been classified as a Variant of Uncertain Significance.

NM_001004334.4(GPR179):c.4034A>T (p.Asp1345Val)

Gene: GPR179 (G protein-coupled receptor 179; minus strand). Cytogenetic location: 17q12.
Variant type: single nucleotide variant.
Coding change: c.4034A>T on transcript NM_001004334.4 (MANE Select); coding-DNA position 4034, A replaced by T.
Protein change: p.Asp1345Val; replaces aspartic acid 1345 with valine.
Molecular consequence: missense variant.
Genome position (GRCh38, 1-based): chr17:38,329,535, T>A on the plus strand (A>T on the coding strand, the complement: GPR179 is on the minus strand). VCF-style: chr17-38329535-T-A. GRCh37 (hg19) VCF-style: chr17-36485418-T-A.
Other names: short protein forms D1345V.
Identifiers: ClinVar variation 1409108 (VCV001409108.6), dbSNP rs1381596096, ClinGen allele CA398877773.